The following is an entry in ClinVar:

ClinVar aggregate classification (germline): Uncertain significance (1 of 4 stars; one submission).

Submission:

Labcorp Genetics (formerly Invitae), Labcorp
Classification: Uncertain significance. Last evaluated: 2022-08-07. Review status: criteria provided, single submitter. Criteria: Invitae Variant Classification Sherloc (09022015). Collection method: clinical testing. Allele origin: germline.
Comment: This variant has not been reported in the literature in individuals affected with SCLT1-related conditions. In summary, the available evidence is currently insufficient to determine the role of this variant in disease. Therefore, it has been classified as a Variant of Uncertain Significance. Algorithms developed to predict the effect of sequence changes on RNA splicing suggest that this variant may disrupt the consensus splice site. This variant is not present in population databases (gnomAD no frequency). This sequence change falls in intron 13 of the SCLT1 gene. It does not directly change the encoded amino acid sequence of the SCLT1 protein.

NM_144643.4(SCLT1):c.1147-14_1147-10del

Gene: SCLT1 (sodium channel and clathrin linker 1; minus strand). Cytogenetic location: 4q28.2.
Variant type: Deletion.
Coding change: c.1147-14_1147-10del on transcript NM_144643.4 (MANE Select); 14 bases into the intron before coding-DNA position 1147 through 10 bases into the intron before coding-DNA position 1147, 5 bases deleted (GTCTT; older notation c.1147-14_1147-10delGTCTT).
Molecular consequence: intron variant.
Genome position (GRCh38, 1-based): chr4:128,952,850-128,952,854, AAGAC deleted on the plus strand (GTCTT on the coding strand, the reverse complement: SCLT1 is on the minus strand); deleting any 5 consecutive bases within chr4:128,952,850-128,952,855 gives the same sequence; the c. name uses the placement nearest the transcript's 3' end. VCF-style (leftmost placement, unchanged base first): chr4-128952849-TAAGAC-T. GRCh37 (hg19) VCF-style: chr4-129874004-TAAGAC-T.
Identifiers: ClinVar variation 1969624 (VCV001969624.5), dbSNP rs2530404013, ClinGen allele CA2580071529.
Genomic context (GRCh38, chr4:128,952,849, plus strand): 5'-CTTCTGTTAATCGAGAAATTTGTATATTACATTGTTTTTTGGTGTTTGCAACCTGTAAAT[TAAGAC>T]ATTTACTCATTATTTGGTTCTAGAATAAAAATGATTAATATCTGATAAAAACACTCAGGA-3'